The following is an entry in ClinVar:

NM_001270508.2(TNFAIP3):c.752G>A (p.Gly251Asp)

Genes: TNFAIP3 (TNF alpha induced protein 3; plus strand), LOC126859807 (MED14-independent group 3 enhancer GRCh37_chr6:138196296-138197495; plus strand). Cytogenetic location: 6q23.3.
Variant type: single nucleotide variant.
Coding change: c.752G>A on transcript NM_001270508.2 (MANE Select); coding-DNA position 752, G replaced by A.
Protein change: p.Gly251Asp; replaces glycine 251 with aspartic acid.
Molecular consequence: missense variant.
Genome position (GRCh38, 1-based): chr6:137,876,113, G>A. VCF-style: chr6-137876113-G-A. GRCh37 (hg19) VCF-style: chr6-138197250-G-A.
Other names: p.Gly251Asp; c.752G>A, p.Gly251Asp (NM_001270507.2, NM_006290.4); c.752G>A (NM_006290.3); short protein forms G251D.
Identifiers: ClinVar variation 4541224 (VCV004541224.2).

ClinVar aggregate classification (germline): Uncertain significance. Review status: criteria provided, multiple submitters, no conflicts (2 of 4 stars). 2 submissions from 2 submitters: Uncertain significance (2). Last evaluated 2026-01-28.

Submissions (2):

GeneDx
Classification: Uncertain significance. Last evaluated: 2026-01-28. Review status: criteria provided, single submitter. Criteria: GeneDx Variant Classification Process June 2021. Collection method: clinical testing. Allele origin: germline.
Comment: Not observed at significant frequency in large population cohorts (gnomAD); In silico analysis supports that this missense variant has a deleterious effect on protein structure/function; Has not been previously published as pathogenic or benign to our knowledge

Mayo Clinic Laboratories, Mayo Clinic
Classification: Uncertain significance. Last evaluated: 2025-10-24. Review status: criteria provided, single submitter. Criteria: ACMG Guidelines, 2015. Collection method: clinical testing. Allele origin: germline. Observed: 1 variant allele.
Comment: PM2_supporting